The following is an entry in ClinVar:

NM_012330.4(KAT6B):c.1673G>A (p.Arg558His)

Gene: KAT6B (lysine acetyltransferase 6B; plus strand). Cytogenetic location: 10q22.2.
Variant type: single nucleotide variant.
Coding change: c.1673G>A on transcript NM_012330.4 (MANE Select); coding-DNA position 1673, G replaced by A.
Protein change: p.Arg558His; replaces arginine 558 with histidine.
Molecular consequence: missense variant. On other transcripts: intron variant (13).
Genome position (GRCh38, 1-based): chr10:74,976,010, G>A. VCF-style: chr10-74976010-G-A. GRCh37 (hg19) VCF-style: chr10-76735768-G-A.
Other names: c.1673G>A, p.Arg558His (NM_001370136.1, NM_001370137.1); c.1117+556G>A (NM_001370139.1, NM_001370140.1, NM_001370141.1 and 3 more transcripts); c.1444+229G>A (NM_001370138.1, NM_001256468.2); c.846+6235G>A (NM_001370133.1); c.193-3214G>A (NM_001370134.1); c.929-1306G>A (NM_001370143.1, NM_001370144.1); c.193-13009G>A (NM_001370135.1); short protein forms R558H.
Identifiers: ClinVar variation 2048987 (VCV002048987.4), dbSNP rs768923495, ClinGen allele CA5564453.

ClinVar aggregate classification (germline): Uncertain significance (1 of 4 stars; one submission).

Conditions:
Genitopatellar syndrome (GTPTS). Also called: Genitopatellar syndrome (GPS); ABSENT PATELLAE, SCROTAL HYPOPLASIA, RENAL ANOMALIES, FACIAL DYSMORPHISM, AND MENTAL RETARDATION. Identifiers: Orphanet 85201, MedGen C1853566, MONDO:0011640, OMIM 606170.

Allele frequency attached by ClinVar (database versions not stated): TOPMed below 0.00001; ExAC 0.00001; gnomAD 0.00001; gnomAD exomes 0.00002.
gnomAD v4.1: 32 of 1,613,896 alleles (0.002%); highest among the groups gnomAD compares: Non-Finnish European, 0.0026%; no homozygotes.

Submission:

Labcorp Genetics (formerly Invitae), Labcorp
Classification: Uncertain significance for Genitopatellar syndrome. Last evaluated: 2023-05-03. Review status: criteria provided, single submitter. Criteria: Invitae Variant Classification Sherloc (09022015). Collection method: clinical testing. Allele origin: germline.
Comment: In summary, the available evidence is currently insufficient to determine the role of this variant in disease. Therefore, it has been classified as a Variant of Uncertain Significance. An algorithm developed to predict the effect of missense changes on protein structure and function (PolyPhen-2) suggests that this variant is likely to be disruptive. ClinVar contains an entry for this variant (Variation ID: 2048987). This variant has not been reported in the literature in individuals affected with KAT6B-related conditions. This variant is present in population databases (rs768923495, gnomAD 0.004%). This sequence change replaces arginine, which is basic and polar, with histidine, which is basic and polar, at codon 558 of the KAT6B protein (p.Arg558His).